The following is an entry in ClinVar:

ClinVar aggregate classification (germline): Uncertain significance. Review status: criteria provided, multiple submitters, no conflicts (2 of 4 stars). 2 submissions from 2 submitters: Uncertain significance (2). Last evaluated 2025-04-08.

Conditions:
Primary ciliary dyskinesia. Also called: Ciliary dyskinesia. Identifiers: Orphanet 244, MedGen C0008780, MONDO:0016575, HP:0012265.

Allele frequency attached by ClinVar (database versions not stated): gnomAD 0.00002; gnomAD exomes 0.00002; TOPMed 0.00002.
gnomAD v4.1: 35 of 1,612,010 alleles (0.0022%); highest among the groups gnomAD compares: Middle Eastern, 0.099%; no homozygotes.

Submissions (2):

Labcorp Genetics (formerly Invitae), Labcorp
Classification: Uncertain significance for Primary ciliary dyskinesia. Last evaluated: 2025-04-08. Review status: criteria provided, single submitter. Criteria: Invitae Variant Classification Sherloc (09022015). Collection method: clinical testing. Allele origin: germline.
Comment: This sequence change replaces arginine, which is basic and polar, with serine, which is neutral and polar, at codon 452 of the DNAH8 protein (p.Arg452Ser). This variant is present in population databases (no rsID available, gnomAD 0.004%). This variant has not been reported in the literature in individuals affected with DNAH8-related conditions. ClinVar contains an entry for this variant (Variation ID: 454550). Experimental studies and prediction algorithms are not available or were not evaluated, and the functional significance of this variant is currently unknown. In summary, the available evidence is currently insufficient to determine the role of this variant in disease. Therefore, it has been classified as a Variant of Uncertain Significance.

Ambry Genetics
Classification: Uncertain significance. Last evaluated: 2021-12-16. Review status: criteria provided, single submitter. Criteria: Ambry Variant Classification Scheme 2023. Collection method: clinical testing. Allele origin: germline.

NM_001206927.2(DNAH8):c.1356A>T (p.Arg452Ser)

Gene: DNAH8 (dynein axonemal heavy chain 8; plus strand). Cytogenetic location: 6p21.2.
Variant type: single nucleotide variant.
Coding change: c.1356A>T on transcript NM_001206927.2 (MANE Select); coding-DNA position 1356, A replaced by T.
Protein change: p.Arg452Ser; replaces arginine 452 with serine.
Molecular consequence: missense variant.
Genome position (GRCh38, 1-based): chr6:38,750,538, A>T. VCF-style: chr6-38750538-A-T. GRCh37 (hg19) VCF-style: chr6-38718314-A-T.
Other names: c.705A>T, p.Arg235Ser (NM_001371.4); short protein forms R452S, R235S.
Identifiers: ClinVar variation 454550 (VCV000454550.7), dbSNP rs943639840, ClinGen allele CA137545458.